The following is an entry in ClinVar:

ClinVar aggregate classification (germline): Likely pathogenic (1 of 4 stars; one submission).

Conditions:
Familial adenomatous polyposis 2. Also called: MYH-associated polyposis; FAP type 2; COLORECTAL ADENOMATOUS POLYPOSIS, AUTOSOMAL RECESSIVE; ADENOMAS, MULTIPLE COLORECTAL, AUTOSOMAL RECESSIVE; MUTYH-related attenuated familial adenomatous polyposis; MUTYH Polyposis. Identifiers: Orphanet 220460, Orphanet 247798, MedGen C3272841, MONDO:0012041, OMIM 608456.

Allele frequency attached by ClinVar (database versions not stated): gnomAD exomes below 0.00001.
gnomAD v4.1: 1 of 1,614,104 alleles (0.000062%); highest among the groups gnomAD compares: South Asian, 0.0011%; no homozygotes.

Submission:

Labcorp Genetics (formerly Invitae), Labcorp
Classification: Likely pathogenic for Familial adenomatous polyposis 2. Last evaluated: 2018-07-01. Review status: criteria provided, single submitter. Criteria: Invitae Variant Classification Sherloc (09022015). Collection method: clinical testing. Allele origin: germline.
Comment: This variant has been observed in an individual with MUTYH-associated polyposis (PMID: 19732775). This variant is also known as c.649-1G>A in the literature. This variant is not present in population databases (ExAC no frequency). This sequence change affects an acceptor splice site in intron 8 of the MUTYH gene. It is expected to disrupt RNA splicing and likely results in an absent or disrupted protein product. Donor and acceptor splice site variants typically lead to a loss of protein function (PMID: 16199547), and loss-of-function variants in MUTYH are known to be pathogenic (PMID: 18534194, 20663686). In summary, the currently available evidence indicates that the variant is pathogenic, but additional data are needed to prove that conclusively. Therefore, this variant has been classified as Likely Pathogenic.

Literature cited by the submitters: PubMed 19732775; PubMed 16199547; PubMed 18534194; PubMed 20663686.

NM_001048174.2(MUTYH):c.607-1G>A

Gene: MUTYH (mutY DNA glycosylase; minus strand). Cytogenetic location: 1p34.1.
Variant type: single nucleotide variant.
Coding change: c.607-1G>A on transcript NM_001048174.2 (MANE Select); the canonical splice acceptor site of the intron before coding-DNA position 607, G replaced by A.
Molecular consequence: splice acceptor variant.
Genome position (GRCh38, 1-based): chr1:45,332,489, C>T on the plus strand (G>A on the coding strand, the complement: MUTYH is on the minus strand). VCF-style: chr1-45332489-C-T. GRCh37 (hg19) VCF-style: chr1-45798161-C-T.
Other names: c.607-1G>A (NM_001407070.1, NM_001048173.2, NM_001407081.1 and 6 more transcripts); c.610-1G>A (NM_001407071.1, NM_001048172.2, NM_001407078.1 and 1 more transcripts); c.262-1G>A (NM_001407082.1, NM_001350651.2, NM_001350650.2); c.331-1G>A (NM_001293196.2, NM_001407091.1, NM_001293192.2); c.565-1G>A (NM_001407080.1); c.568-1G>A (NM_001407079.1); c.640-1G>A (NM_001407077.1, NM_001293191.2, NM_001407069.1); c.649-1G>A (NM_001407083.1, NM_001407085.1); and 5 more.
Identifiers: ClinVar variation 581889 (VCV000581889.10), dbSNP rs1557474906, ClinGen allele CA340135247.